The following is an entry in ClinVar:

NM_000038.6(APC):c.420G>C (p.Glu140Asp)

Gene: APC (APC regulator of Wnt signaling pathway; plus strand). Cytogenetic location: 5q22.2.
Variant type: single nucleotide variant.
Coding change: c.420G>C on transcript NM_000038.6 (MANE Select); coding-DNA position 420, G replaced by C.
Protein change: p.Glu140Asp; replaces glutamic acid 140 with aspartic acid.
Molecular consequence: missense variant. On other transcripts: 5 prime UTR variant (1).
Genome position (GRCh38, 1-based): chr5:112,767,388, G>C. VCF-style: chr5-112767388-G-C. GRCh37 (hg19) VCF-style: chr5-112103085-G-C.
Other names: NM_000038.6(APC):c.420G>C; c.420G>C, p.Glu140Asp (NM_001127510.3, NM_001354895.2, NM_001354896.2 and 2 more transcripts); c.450G>C, p.Glu150Asp (NM_001127511.3, NM_001354897.2, NM_001354902.2); c.345G>C, p.Glu115Asp (NM_001354898.2, NM_001354904.2); c.243G>C, p.Glu81Asp (NM_001354900.2, NM_001354901.2, NM_001354905.2); c.-616G>C (NM_001354906.2); short protein forms E140D, E150D, E115D, E81D.
Identifiers: ClinVar variation 41529 (VCV000041529.33), dbSNP rs202161017, ClinGen allele CA008951.

ClinVar aggregate classification (germline): Likely benign. Review status: reviewed by expert panel (3 of 4 stars). 12 submissions from 12 submitters: Likely benign (1). 11 of the submissions do not count toward it. Last evaluated 2023-02-18.

Conditions:
Classic or attenuated familial adenomatous polyposis. Identifiers: MedGen CN372698, MONDO:0021057.
Hereditary cancer-predisposing syndrome. Also called: Hereditary neoplastic syndrome; Neoplastic Syndromes, Hereditary; Hereditary Cancer Syndrome; Tumor predisposition. Identifiers: Orphanet 140162, MedGen C0027672, MeSH D009386, MONDO:0015356.
Familial adenomatous polyposis 1 (FAP1). Also called: FAMILIAL ADENOMATOUS POLYPOSIS 1, ATTENUATED; POLYPOSIS, ADENOMATOUS INTESTINAL. Identifiers: MedGen C2713442, MONDO:0021056, OMIM 175100. Disease mechanism: loss of function.

Allele frequency attached by ClinVar (database versions not stated): gnomAD exomes below 0.00001; TOPMed 0.00001.
gnomAD v4.1: 2 of 1,612,752 alleles (0.00012%); highest among the groups gnomAD compares: Non-Finnish European, 0.00017%; no homozygotes.

Submissions (12):

ClinGen InSiGHT Hereditary Colorectal Cancer/Polyposis Variant Curation Expert Panel
Classification: Likely benign for Familial adenomatous polyposis 1. Last evaluated: 2023-02-18. Review status: reviewed by expert panel. Criteria: ClinGen InSiGHT HCCP VCEP ACMG Specifications APC V1. Collection method: curation. Allele origin: germline. Inheritance: Autosomal dominant inheritance.
Comment: The c.420G>C variant in APC is a missense variant predicted to cause substitution of glutamic acid by aspartic acid at amino acid 140 (p.Glu140Asp). APCis defined by the ClinGen InSiGHT Hereditary Colorectal Cancer/Polyposis Variant Curation Expert Panel (HCCP VCEP) as a gene for which primarily truncating variants are known to cause disease (BP1). This variant has been observed in heterozygous state in 67 healthy unrelated adult individuals worth more than 10 healthy individual points in total (BS2; Ambry Genetics, Invitae, GeneDX internal data). This variant has also been observed in trans with a variant classified as (likely) pathogenic by the HCCP VCEP in an individual with FAP (BP2; Invitae Internal Data). Finally, this variant is absent from gnomAD v2.1.1 (PM2_Supporting). In summary, this variant meets the criteria to be classified as Likely Benign for FAP based on the ACMG/AMP criteria applied, as specified by the HCCP VCEP: BS2, BP1, BP2 (VCEP specifications version 1; date of approval 12/12/2022).

Labcorp Genetics (formerly Invitae), Labcorp
Classification: Likely benign for Familial adenomatous polyposis 1. Last evaluated: 2025-12-22. Review status: criteria provided, single submitter. Criteria: Invitae Variant Classification Sherloc (09022015). Collection method: clinical testing. Allele origin: germline. Not counted in ClinVar's aggregate classification.

All of Us Research Program, National Institutes of Health
Classification: Uncertain significance for Classic or attenuated familial adenomatous polyposis. Last evaluated: 2024-07-29. Review status: criteria provided, single submitter. Criteria: ACMG Guidelines, 2015. Collection method: clinical testing. Allele origin: germline. Inheritance: Autosomal dominant inheritance. Observed: 6 variant alleles, 6 heterozygotes. Not counted in ClinVar's aggregate classification.
Comment: This missense variant replaces glutamic acid with aspartic acid at codon 140 of the APC protein. Computational prediction is inconclusive regarding the impact of this variant on protein structure and function (internally defined REVEL score threshold 0.5 < inconclusive < 0.7, PMID: 27666373). To our knowledge, functional studies have not been reported for this variant. This variant has been reported in an individual affected with breast cancer (PMID: 26976419). This variant has not been identified in the general population by the Genome Aggregation Database (gnomAD). The available evidence is insufficient to determine the role of this variant in disease conclusively. Therefore, this variant is classified as a Variant of Uncertain Significance.

This study involves interpretation of variants in research participants for the purpose of population health screening. Participant phenotype was not available at the time of variant classification. Additional details can be found in publication PMID: 35346344, PMCID: PMC8962531

Color Diagnostics, LLC DBA Color Health
Classification: Uncertain significance for Hereditary cancer-predisposing syndrome. Last evaluated: 2024-02-28. Review status: criteria provided, single submitter. Criteria: ACMG Guidelines, 2015. Collection method: clinical testing. Allele origin: germline. Not counted in ClinVar's aggregate classification.
Comment: This missense variant replaces glutamic acid with aspartic acid at codon 140 of the APC protein. Computational prediction is inconclusive regarding the impact of this variant on protein structure and function (internally defined REVEL score threshold 0.5 < inconclusive < 0.7, PMID: 27666373). To our knowledge, functional studies have not been reported for this variant. This variant has been reported in an individual affected with breast cancer (PMID: 26976419). This variant has not been identified in the general population by the Genome Aggregation Database (gnomAD). The available evidence is insufficient to determine the role of this variant in disease conclusively. Therefore, this variant is classified as a Variant of Uncertain Significance.

Quest Diagnostics Nichols Institute San Juan Capistrano
Classification: Uncertain significance. Last evaluated: 2024-01-02. Review status: criteria provided, single submitter. Criteria: Quest Diagnostics criteria. Collection method: clinical testing. Allele origin: unknown. Not counted in ClinVar's aggregate classification.
Comment: The APC c.420G>C (p.Glu140Asp) variant has been reported in the published literature in an individual with breast cancer (PMID: 26976419 (2016)). This variant has not been reported in large, multi-ethnic general populations (Genome Aggregation Database). Analysis of this variant using bioinformatics tools for the prediction of the effect of amino acid changes on protein structure and function yielded predictions that this variant is damaging. Based on the available information, we are unable to determine the clinical significance of this variant.

Women's Health and Genetics/Laboratory Corporation of America, LabCorp
Classification: Uncertain significance. Last evaluated: 2023-06-05. Review status: criteria provided, single submitter. Criteria: LabCorp Variant Classification Summary - May 2015. Collection method: clinical testing. Allele origin: germline. Not counted in ClinVar's aggregate classification.
Comment: Variant summary: APC c.420G>C (p.Glu140Asp) results in a conservative amino acid change in the encoded protein sequence. Three of five in-silico tools predict a damaging effect of the variant on protein function. The variant was absent in 251366 control chromosomes. The available data on variant occurrences in the general population are insufficient to allow any conclusion about variant significance. c.420G>C has been reported in the literature in at least one individual affected with breast cancer without strong evidence for causality (e.g., Tung_2015). To our knowledge, no experimental evidence demonstrating an impact on protein function has been reported. The following publication has been ascertained in the context of this evaluation (PMID: 26976419). Six ClinVar submitters have submitted clinical-significance assessments for this variant to ClinVar after 2014. Four clinical diagnostic laboratories classified the variant as a variant of uncertain significance, while one clinical diagnostic laboratory and one expert panel classified it as likely benign. Based on the evidence outlined above, the variant was classified as uncertain significance.

Ambry Genetics
Classification: Likely benign for Hereditary cancer-predisposing syndrome. Last evaluated: 2023-06-02. Review status: criteria provided, single submitter. Criteria: Ambry Variant Classification Scheme 2023. Collection method: clinical testing. Allele origin: germline. Not counted in ClinVar's aggregate classification.

Myriad Genetics, Inc.
Classification: Uncertain significance for Familial adenomatous polyposis 1. Last evaluated: 2023-02-22. Review status: criteria provided, single submitter. Criteria: Myriad Autosomal Dominant, Autosomal Recessive and X-Linked Classification Criteria (2023). Collection method: clinical testing. Allele origin: unknown. Not counted in ClinVar's aggregate classification.
Comment: This variant is classified as a variant of uncertain significance as there is insufficient evidence to determine its impact on protein function and/or cancer risk.

Baylor Genetics
Classification: Uncertain significance for Familial adenomatous polyposis 1. Last evaluated: 2022-07-31. Review status: criteria provided, single submitter. Criteria: ACMG Guidelines, 2015. Collection method: clinical testing. Allele origin: unknown. Not counted in ClinVar's aggregate classification.

GeneDx
Classification: Uncertain significance. Last evaluated: 2020-12-03. Review status: criteria provided, single submitter. Criteria: GeneDx Variant Classification Process June 2021. Collection method: clinical testing. Allele origin: germline. Affected: yes. Not counted in ClinVar's aggregate classification.
Comment: Not observed in large population cohorts (Lek 2016); In silico analysis supports that this missense variant does not alter protein structure/function; Has not been previously published as pathogenic or benign to our knowledge

Counsyl
Classification: Uncertain significance for Familial adenomatous polyposis 1. Last evaluated: 2016-02-24. Review status: no assertion criteria provided. Collection method: clinical testing. Allele origin: unknown. Not counted in ClinVar's aggregate classification.

Biesecker Lab/Clinical Genomics Section, National Institutes of Health
Classification: Uncertain significance. Last evaluated: 2012-07-13. Review status: no assertion criteria provided. Collection method: research. Allele origin: germline. Affected: no. Observed: 1 variant allele. Study: ClinSeq. Not counted in ClinVar's aggregate classification.
ClinVar note: Converted during submission from variant of unknown significance to Uncertain significance.

Literature cited by the submitters: PubMed 26976419 (cited by 4 submitters).